The following is an entry in ClinVar:

NM_015681.6(B9D1):c.307dup (p.Tyr103fs)

Gene: B9D1 (B9 domain containing 1; minus strand). Cytogenetic location: 17p11.2.
Variant type: Duplication.
Coding change: c.307dup on transcript NM_015681.6 (MANE Select); coding-DNA position 307, one base duplicated (T; older notation c.307dupT).
Protein change: p.Tyr103fs; shifts the reading frame from tyrosine 103.
Molecular consequence: frameshift variant. On other transcripts: 5 prime UTR variant (1).
Genome position (GRCh38, 1-based): chr17:19,347,818, A duplicated on the plus strand (T on the coding strand, the reverse complement: B9D1 is on the minus strand). VCF-style (leftmost placement, unchanged base first): chr17-19347817-T-TA. GRCh37 (hg19) VCF-style: chr17-19251130-T-TA.
Other names: c.307dup, p.Tyr103fs (NM_001321214.2, NM_001321215.3, NM_001321216.2 and 4 more transcripts); c.-54dup (NM_001368769.2); short protein forms Y103fs.
Identifiers: ClinVar variation 2261381 (VCV002261381.2), dbSNP rs2508552605, ClinGen allele CA2580092688.

ClinVar aggregate classification (germline): Pathogenic (1 of 4 stars; one submission).

Conditions:
Inborn genetic diseases. Identifiers: MedGen C0950123, MeSH D030342.

Allele frequency attached by ClinVar (database versions not stated): gnomAD exomes below 0.00001.

Submission:

Ambry Genetics
Classification: Pathogenic for Inborn genetic diseases. Last evaluated: 2021-12-15. Review status: criteria provided, single submitter. Criteria: Ambry Variant Classification Scheme 2023. Collection method: clinical testing. Allele origin: germline.
Comment: The c.307dupT (p.Y103Lfs*27) alteration, located in exon 4 (coding exon 4) of the B9D1 gene, consists of a duplication of T at position 307, causing a translational frameshift with a predicted alternate stop codon after 27 amino acids. This alteration is expected to result in loss of function by premature protein truncation or nonsense-mediated mRNA decay. This variant was not reported in population-based cohorts in the Genome Aggregation Database (gnomAD). Based on the available evidence, this alteration is classified as pathogenic.